The following is an entry in ClinVar:

NM_001123385.2(BCOR):c.85A>G (p.Arg29Gly)

Gene: BCOR (BCL6 corepressor; minus strand). Cytogenetic location: Xp11.4.
Variant type: single nucleotide variant.
Coding change: c.85A>G on transcript NM_001123385.2 (MANE Select); coding-DNA position 85, A replaced by G.
Protein change: p.Arg29Gly; replaces arginine 29 with glycine.
Molecular consequence: missense variant.
Genome position (GRCh38, 1-based): chrX:40,077,845, T>C on the plus strand (A>G on the coding strand, the complement: BCOR is on the minus strand). VCF-style: chrX-40077845-T-C. GRCh37 (hg19) VCF-style: chrX-39937098-T-C.
Other names: NC_000023.10:g.39937098T>C; c.85A>G, p.Arg29Gly (NM_001123383.2, NM_001123384.2, NM_017745.6); short protein forms R29G.
Identifiers: ClinVar variation 3902037 (VCV003902037.2).

ClinVar aggregate classification (germline): Uncertain significance (1 of 4 stars; one submission).

Conditions:
Oculofaciocardiodental syndrome (MCOPS2). Identifiers: Orphanet 2712, MedGen C1846265, MONDO:0010261, OMIM 300166.

Submissions (2):

Laboratorio de Genetica e Diagnostico Molecular, Hospital Israelita Albert Einstein
Classification: Uncertain significance for Oculofaciocardiodental syndrome. Last evaluated: 2025-03-20. Review status: criteria provided, single submitter. Criteria: ACMG Guidelines, 2015. Collection method: clinical testing. Allele origin: germline. Affected: yes.
Comment: ACMG classification criteria: PM2 supporting, PP3 supporting

Dr. Peter K. Rogan Lab, Western University
No classification provided (evidence only). Condition: Nonpapillary renal cell carcinoma. Review status: no classification provided. Collection method: in vitro. Allele origin: not applicable. Functional consequence: retained intron. Not counted in ClinVar's aggregate classification.